The following is an entry in ClinVar:

ClinVar aggregate classification (germline): Uncertain significance. Review status: criteria provided, multiple submitters, no conflicts (2 of 4 stars). 2 submissions from 2 submitters: Uncertain significance (2). Last evaluated 2024-04-15.

Conditions:
Joubert syndrome. Also called: CEREBELLOPARENCHYMAL DISORDER IV; JOUBERT-BOLTSHAUSER SYNDROME; Familial aplasia of the vermis. Identifiers: Orphanet 475, MedGen C5979921, MONDO:0018772.
Joubert syndrome 3 (JBTS3). Also called: AHI1-related Ciliopathy. Identifiers: Orphanet 220493, MedGen C1837713, MONDO:0012078, OMIM 608629.

Submissions (2):

Fulgent Genetics
Classification: Uncertain significance for Joubert syndrome 3. Last evaluated: 2024-04-15. Review status: criteria provided, single submitter. Criteria: ACMG Guidelines, 2015. Collection method: clinical testing. Allele origin: germline.

Labcorp Genetics (formerly Invitae), Labcorp
Classification: Uncertain significance for Joubert syndrome. Last evaluated: 2021-06-01. Review status: criteria provided, single submitter. Criteria: Invitae Variant Classification Sherloc (09022015). Collection method: clinical testing. Allele origin: germline.
Comment: This variant is not present in population databases (ExAC no frequency). This variant has not been reported in the literature in individuals with AHI1-related conditions. Advanced modeling of protein sequence and biophysical properties (such as structural, functional, and spatial information, amino acid conservation, physicochemical variation, residue mobility, and thermodynamic stability) performed at Invitae indicates that this missense variant is not expected to disrupt AHI1 protein function. In summary, the available evidence is currently insufficient to determine the role of this variant in disease. Therefore, it has been classified as a Variant of Uncertain Significance. This sequence change replaces glutamine with glutamic acid at codon 1035 of the AHI1 protein (p.Gln1035Glu). The glutamine residue is moderately conserved and there is a small physicochemical difference between glutamine and glutamic acid.

NM_001134831.2(AHI1):c.3103C>G (p.Gln1035Glu)

Gene: AHI1 (Abelson helper integration site 1; minus strand). Cytogenetic location: 6q23.3.
Variant type: single nucleotide variant.
Coding change: c.3103C>G on transcript NM_001134831.2 (MANE Select); coding-DNA position 3103, C replaced by G.
Protein change: p.Gln1035Glu; replaces glutamine 1035 with glutamic acid.
Molecular consequence: missense variant.
Genome position (GRCh38, 1-based): chr6:135,394,782, G>C on the plus strand (C>G on the coding strand, the complement: AHI1 is on the minus strand). VCF-style: chr6-135394782-G-C. GRCh37 (hg19) VCF-style: chr6-135715920-G-C.
Other names: c.3103C>G, p.Gln1035Glu (NM_001134830.2, NM_001134832.2, NM_001350503.2 and 2 more transcripts); c.3103C>G (NM_017651.4); short protein forms Q1035E.
Identifiers: ClinVar variation 1510161 (VCV001510161.9), dbSNP rs1401580475, ClinGen allele CA365843546.